The following is an entry in ClinVar:

ClinVar aggregate classification (germline): Uncertain significance (1 of 4 stars; one submission).

Conditions:
Epileptic encephalopathy. Identifiers: MedGen C0543888, HP:0200134.

Allele frequency attached by ClinVar (database versions not stated): gnomAD 0.00001; TOPMed 0.00001; gnomAD exomes 0.00002; ExAC 0.00004.
gnomAD v4.1: 11 of 1,612,684 alleles (0.00068%); highest among the groups gnomAD compares: Admixed American, 0.0067%; no homozygotes.

Submission:

Labcorp Genetics (formerly Invitae), Labcorp
Classification: Uncertain significance for Epileptic encephalopathy. Last evaluated: 2018-09-11. Review status: criteria provided, single submitter. Criteria: Invitae Variant Classification Sherloc (09022015). Collection method: clinical testing. Allele origin: germline.
Comment: In summary, the available evidence is currently insufficient to determine the role of this variant in disease. Therefore, it has been classified as a Variant of Uncertain Significance. Algorithms developed to predict the effect of missense changes on protein structure and function output the following: SIFT: "Deleterious"; PolyPhen-2: "Probably Damaging"; Align-GVGD: "Class C55". The valine amino acid residue is found in multiple mammalian species, suggesting that this missense change does not adversely affect protein function. These predictions have not been confirmed by published functional studies and their clinical significance is uncertain. This variant has not been reported in the literature in individuals with RYR3-related disease. This variant is present in population databases (rs769067753, ExAC 0.05%). This sequence change replaces alanine with valine at codon 2410 of the RYR3 protein (p.Ala2410Val). The alanine residue is highly conserved and there is a small physicochemical difference between alanine and valine.

NM_001036.6(RYR3):c.7229C>T (p.Ala2410Val)

Gene: RYR3 (ryanodine receptor 3; plus strand). Cytogenetic location: 15q14.
Variant type: single nucleotide variant.
Coding change: c.7229C>T on transcript NM_001036.6 (MANE Select); coding-DNA position 7229, C replaced by T.
Protein change: p.Ala2410Val; replaces alanine 2410 with valine.
Molecular consequence: missense variant.
Genome position (GRCh38, 1-based): chr15:33,731,499, C>T. VCF-style: chr15-33731499-C-T. GRCh37 (hg19) VCF-style: chr15-34023700-C-T.
Other names: c.7229C>T, p.Ala2410Val (NM_001243996.4); short protein forms A2410V.
Identifiers: ClinVar variation 639578 (VCV000639578.8), dbSNP rs769067753, ClinGen allele CA7459827.